The following is an entry in ClinVar:

ClinVar aggregate classification (germline): Uncertain significance. Review status: criteria provided, multiple submitters, no conflicts (2 of 4 stars). 2 submissions from 2 submitters: Uncertain significance (2). Last evaluated 2025-11-05.

Conditions:
Inborn genetic diseases. Identifiers: MedGen C0950123, MeSH D030342.

Allele frequency attached by ClinVar (database versions not stated): TOPMed below 0.00001; ExAC 0.00001; gnomAD 0.00001; gnomAD exomes 0.00001.
gnomAD v4.1: 23 of 1,614,018 alleles (0.0014%); highest among the groups gnomAD compares: East Asian, 0.0089%; no homozygotes.

Submissions (2):

Ambry Genetics
Classification: Uncertain significance for Inborn genetic diseases. Last evaluated: 2025-11-05. Review status: criteria provided, single submitter. Criteria: Ambry Variant Classification Scheme 2023. Collection method: clinical testing. Allele origin: germline.

Labcorp Genetics (formerly Invitae), Labcorp
Classification: Uncertain significance. Last evaluated: 2022-05-26. Review status: criteria provided, single submitter. Criteria: Invitae Variant Classification Sherloc (09022015). Collection method: clinical testing. Allele origin: germline.
Comment: In summary, the available evidence is currently insufficient to determine the role of this variant in disease. Therefore, it has been classified as a Variant of Uncertain Significance. Algorithms developed to predict the effect of missense changes on protein structure and function output the following: SIFT: "Tolerated"; PolyPhen-2: "Benign"; Align-GVGD: "Class C0". The serine amino acid residue is found in multiple mammalian species, which suggests that this missense change does not adversely affect protein function. This variant has not been reported in the literature in individuals affected with EXOSC9-related conditions. This variant is present in population databases (rs761096444, gnomAD 0.006%). This sequence change replaces asparagine, which is neutral and polar, with serine, which is neutral and polar, at codon 210 of the EXOSC9 protein (p.Asn210Ser).

NM_005033.3(EXOSC9):c.629A>G (p.Asn210Ser)

Gene: EXOSC9 (exosome component 9; plus strand). Cytogenetic location: 4q27.
Variant type: single nucleotide variant.
Coding change: c.629A>G on transcript NM_005033.3 (MANE Select); coding-DNA position 629, A replaced by G.
Protein change: p.Asn210Ser; replaces asparagine 210 with serine.
Molecular consequence: missense variant.
Genome position (GRCh38, 1-based): chr4:121,809,990, A>G. VCF-style: chr4-121809990-A-G. GRCh37 (hg19) VCF-style: chr4-122731145-A-G.
Other names: c.629A>G, p.Asn210Ser (NM_001034194.2); c.629A>G (NM_001034194.1); short protein forms N210S.
Identifiers: ClinVar variation 1919749 (VCV001919749.6), dbSNP rs761096444, ClinGen allele CA3063479.
Genomic context (GRCh38, chr4:121,809,990, plus strand): 5'-CTCAGATTTGTTCAGGTCCATTTAACATTCATTTCAGAACATATTTATTGGTGGATCCCA[A>G]TGAACGAGAAGAACGTGTGATGGATGGCTTGCTGGTGATTGCCATGAACAAACATCGAGA-3'
Protein context (NP_005024.2, residues 200-220): QQGTYLLVDP[Asn210Ser]EREERVMDGL